The following is an entry in ClinVar:

NM_024596.5(MCPH1):c.1935+107C>T

Gene: MCPH1 (microcephalin 1; plus strand). Cytogenetic location: 8p23.1.
Variant type: single nucleotide variant.
Coding change: c.1935+107C>T on transcript NM_024596.5 (MANE Select); 107 bases into the intron after coding-DNA position 1935, C replaced by T.
Molecular consequence: intron variant.
Genome position (GRCh38, 1-based): chr8:6,455,359, C>T. VCF-style: chr8-6455359-C-T. GRCh37 (hg19) VCF-style: chr8-6312880-C-T.
Other names: c.1935+107C>T (NM_001322042.2, NM_001363980.2, NM_001363979.1).
Identifiers: ClinVar variation 683151 (VCV000683151.2), dbSNP rs2515575, ClinGen allele CA171406188.

ClinVar aggregate classification (germline): Benign. Review status: criteria provided, multiple submitters, no conflicts (2 of 4 stars). 2 submissions from 2 submitters: Benign (2). Last evaluated 2018-06-16.

Allele frequency attached by ClinVar (database versions not stated): 1000 Genomes Project 30x 0.93145; 1000 Genomes Project 0.93371; TOPMed 0.93857; gnomAD 0.94160 and 0.94522.
gnomAD v4.1: 811,523 of 824,858 alleles (98%); highest among the groups gnomAD compares: Non-Finnish European, 100%; 400,150 homozygotes.

Submissions (2):

GeneDx
Classification: Benign. Last evaluated: 2018-06-16. Review status: criteria provided, single submitter. Criteria: GeneDx Variant Classification (06012015). Collection method: clinical testing. Allele origin: germline. Affected: yes.
Comment: This variant is considered likely benign or benign based on one or more of the following criteria: it is a conservative change, it occurs at a poorly conserved position in the protein, it is predicted to be benign by multiple in silico algorithms, and/or has population frequency not consistent with disease.

Breakthrough Genomics
Classification: Benign. Review status: criteria provided, single submitter. Criteria: ACMG Guidelines, 2015. Collection method: not provided. Allele origin: germline. Inheritance: Autosomal recessive inheritance. Affected: yes.